The following is an entry in ClinVar:

NM_025243.4(SLC19A3):c.-2-3996A>T

Gene: SLC19A3 (solute carrier family 19 member 3; minus strand). Cytogenetic location: 2q36.3.
Variant type: single nucleotide variant.
Coding change: c.-2-3996A>T on transcript NM_025243.4 (MANE Select); 3996 bases into the intron before 2 bases upstream of the start codon, A replaced by T.
Molecular consequence: intron variant. On other transcripts: 5 prime UTR variant (2).
Genome position (GRCh38, 1-based): chr2:227,706,316, T>A on the plus strand (A>T on the coding strand, the complement: SLC19A3 is on the minus strand). VCF-style: chr2-227706316-T-A. GRCh37 (hg19) VCF-style: chr2-228571032-T-A.
Other names: c.-4A>T (NM_001371412.1); c.-212A>T (NM_001371414.1); c.-210-3996A>T (NM_001371413.1); c.-2-3996A>T (NM_001371411.1).
Identifiers: ClinVar variation 1012685 (VCV001012685.38), dbSNP rs192316285, ClinGen allele CA66665864.

ClinVar aggregate classification (germline): Likely benign. Review status: criteria provided, multiple submitters, no conflicts (2 of 4 stars). 2 submissions from 2 submitters: Likely benign (2). Last evaluated 2026-07-01.

Allele frequency attached by ClinVar (database versions not stated): 1000 Genomes Project 0.00180; 1000 Genomes Project 30x 0.00187; TOPMed 0.00483; gnomAD 0.00502 and 0.00510.
gnomAD v4.1: 10,143 of 1,231,458 alleles (0.82%); highest among the groups gnomAD compares: Non-Finnish European, 0.95%; 66 homozygotes.

Submissions (2):

CeGaT Center for Human Genetics Tuebingen
Classification: Likely benign. Last evaluated: 2026-07-01. Review status: criteria provided, single submitter. Criteria: CeGaT Center For Human Genetics Tuebingen Variant Classification Criteria Version 2. Collection method: clinical testing. Allele origin: germline. Affected: yes. Observed: 27 variant alleles.
Comment: SLC19A3: BS2

Breakthrough Genomics
Classification: Likely benign. Review status: criteria provided, single submitter. Criteria: ACMG Guidelines, 2015. Collection method: not provided. Allele origin: germline. Inheritance: Autosomal recessive inheritance. Affected: yes.